The following is an entry in ClinVar:

ClinVar aggregate classification (germline): Pathogenic (1 of 4 stars; one submission).

Submission:

GeneDx
Classification: Pathogenic. Last evaluated: 2016-08-15. Review status: criteria provided, single submitter. Criteria: GeneDx Variant Classification (06012015). Collection method: clinical testing. Allele origin: germline. Affected: yes.
Comment: The Q61X pathogenic variant in the SOX2 gene has been reported previously in association with anophthalmia and pituitary anomalies including hypogonadotropic hypogonadism (Ragge et al., 2013; Kelberman et al., 2008). This variant is predicted to cause loss of normal protein function through protein truncation, and in vitro studies demonstrate that the Q61X variant results in complete loss of transciptional DNA binding and protein mislocalization (Kelberman et al., 2008). The Q61X variant was not observed in approximately 6500 individuals of European and African American ancestry in the NHLBI Exome Sequencing Project, indicating it is not a common benign variant in these populations. We interpret Q61X as a pathogenic variant.

NM_003106.4(SOX2):c.181C>T (p.Gln61Ter)

Genes: SOX2 (SRY-box transcription factor 2; plus strand), SOX2-OT (SOX2 overlapping transcript; plus strand), LOC108281177 (SOX2 5' regulatory region; plus strand). Cytogenetic location: 3q26.33.
Variant type: single nucleotide variant.
Coding change: c.181C>T on transcript NM_003106.4 (MANE Select); coding-DNA position 181, C replaced by T.
Protein change: p.Gln61Ter; replaces glutamine 61 with a stop codon.
Molecular consequence: nonsense.
Genome position (GRCh38, 1-based): chr3:181,712,541, C>T. VCF-style: chr3-181712541-C-T. GRCh37 (hg19) VCF-style: chr3-181430329-C-T.
Other names: short protein forms Q61*.
Identifiers: ClinVar variation 280092 (VCV000280092.2), dbSNP rs886041378, ClinGen allele CA10602872.